The following is an entry in ClinVar:

ClinVar aggregate classification (germline): Uncertain significance (1 of 4 stars; one submission).

Conditions:
Hereditary cancer-predisposing syndrome. Also called: Neoplastic Syndromes, Hereditary; Tumor predisposition; Hereditary neoplastic syndrome; Hereditary Cancer Syndrome. Identifiers: Orphanet 140162, MedGen C0027672, MeSH D009386, MONDO:0015356.

Submission:

Ambry Genetics
Classification: Uncertain significance for Hereditary cancer-predisposing syndrome. Last evaluated: 2026-09-12. Review status: criteria provided, single submitter. Criteria: Ambry Variant Classification Scheme 2023. Collection method: clinical testing. Allele origin: germline.
Comment: The p.G861C variant (also known as c.2581G>T), located in coding exon 15 of the APC gene, results from a G to T substitution at nucleotide position 2581. The glycine at codon 861 is replaced by cysteine, an amino acid with highly dissimilar properties. This amino acid position is conserved. In addition, in silico predictors for this gene do not accurately predict pathogenicity. Based on the available evidence, the clinical significance of this variant remains unclear.

NM_000038.6(APC):c.2581G>T (p.Gly861Cys)

Gene: APC (APC regulator of Wnt signaling pathway; plus strand). Cytogenetic location: 5q22.2.
Variant type: single nucleotide variant.
Coding change: c.2581G>T on transcript NM_000038.6 (MANE Select); coding-DNA position 2581, G replaced by T.
Protein change: p.Gly861Cys; replaces glycine 861 with cysteine.
Molecular consequence: missense variant. On other transcripts: non-coding transcript variant (2).
Genome position (GRCh38, 1-based): chr5:112,838,175, G>T. VCF-style: chr5-112838175-G-T. GRCh37 (hg19) VCF-style: chr5-112173872-G-T.
Other names: c.2458G>T, p.Gly820Cys (NM_001354900.2); c.2404G>T, p.Gly802Cys (NM_001354901.2, NM_001407453.1); c.2308G>T, p.Gly770Cys (NM_001354902.2); c.2278G>T, p.Gly760Cys (NM_001354903.2, NM_001407458.1, NM_001407459.1 and 1 more transcripts); c.2203G>T, p.Gly735Cys (NM_001354904.2); c.2101G>T, p.Gly701Cys (NM_001354905.2); c.1732G>T, p.Gly578Cys (NM_001354906.2, NM_001407470.1); c.2665G>T, p.Gly889Cys (NM_001407446.1); and 11 more; short protein forms G770C, G836C, G843C, G851C, G854C, G701C, G735C, G778C.
Identifiers: ClinVar variation 5026188 (VCV005026188.1).
Genomic context (GRCh38, chr5:112,838,175, plus strand): 5'-TTAGATAGTTCTCGTTCTGAAAAAGATAGAAGTTTGGAGAGAGAACGCGGAATTGGTCTA[G>T]GCAACTACCATCCAGCAACAGAAAATCCAGGAACTTCTTCAAAGCGAGGTTTGCAGATCT-3'
Protein context (NP_000029.2, residues 851-871): SLERERGIGL[Gly861Cys]NYHPATENPG